The following is an entry in ClinVar:

ClinVar aggregate classification (germline): Uncertain significance (1 of 4 stars; one submission).

Conditions:
Inborn genetic diseases. Identifiers: MedGen C0950123, MeSH D030342.

Submission:

Ambry Genetics
Classification: Uncertain significance for Inborn genetic diseases. Last evaluated: 2025-03-04. Review status: criteria provided, single submitter. Criteria: Ambry Variant Classification Scheme 2023. Collection method: clinical testing. Allele origin: germline.
Comment: The p.K651E variant (also known as c.1951A>G), located in coding exon 11 of the FANCM gene, results from an A to G substitution at nucleotide position 1951. The lysine at codon 651 is replaced by glutamic acid, an amino acid with similar properties. This amino acid position is conserved. In addition, this alteration is predicted to be tolerated by in silico analysis. Based on the available evidence, the clinical significance of this variant remains unclear.

NM_020937.4(FANCM):c.1951A>G (p.Lys651Glu)

Gene: FANCM (FA complementation group M; plus strand). Cytogenetic location: 14q21.2.
Variant type: single nucleotide variant.
Coding change: c.1951A>G on transcript NM_020937.4 (MANE Select); coding-DNA position 1951, A replaced by G.
Protein change: p.Lys651Glu; replaces lysine 651 with glutamic acid.
Molecular consequence: missense variant.
Genome position (GRCh38, 1-based): chr14:45,167,112, A>G. VCF-style: chr14-45167112-A-G. GRCh37 (hg19) VCF-style: chr14-45636315-A-G.
Other names: c.1873A>G, p.Lys625Glu (NM_001308133.2); c.1951A>G, p.Lys651Glu (NM_001308134.2); short protein forms K625E, K651E.
Identifiers: ClinVar variation 3848786 (VCV003848786.1).